The following is an entry in ClinVar:

NM_016148.5(SHANK1):c.2765C>T (p.Pro922Leu)

Gene: SHANK1 (SH3 and multiple ankyrin repeat domains 1; minus strand). Cytogenetic location: 19q13.33.
Variant type: single nucleotide variant.
Coding change: c.2765C>T on transcript NM_016148.5 (MANE Select); coding-DNA position 2765, C replaced by T.
Protein change: p.Pro922Leu; replaces proline 922 with leucine.
Molecular consequence: missense variant.
Genome position (GRCh38, 1-based): chr19:50,669,195, G>A on the plus strand (C>T on the coding strand, the complement: SHANK1 is on the minus strand). VCF-style: chr19-50669195-G-A. GRCh37 (hg19) VCF-style: chr19-51172452-G-A.
Other names: short protein forms P922L.
Identifiers: ClinVar variation 1695864 (VCV001695864.2), dbSNP rs2123086977, ClinGen allele CA407019236.

ClinVar aggregate classification (germline): Uncertain significance (1 of 4 stars; one submission).

Submission:

GeneDx
Classification: Uncertain significance. Last evaluated: 2022-01-06. Review status: criteria provided, single submitter. Criteria: GeneDx Variant Classification Process June 2021. Collection method: clinical testing. Allele origin: germline. Affected: yes.
Comment: Not observed at significant frequency in large population cohorts (gnomAD); In silico analysis supports that this missense variant has a deleterious effect on protein structure/function; Has not been previously published as pathogenic or benign to our knowledge